The following is an entry in ClinVar:

ClinVar aggregate classification (germline): Uncertain significance. Review status: criteria provided, multiple submitters, no conflicts (2 of 4 stars). 2 submissions from 2 submitters: Uncertain significance (2). Last evaluated 2023-08-17.

Conditions:
Isolated cryptophthalmia. Also called: Cryptophthalmos, unilateral or bilateral, isolated; ANKYLOBLEPHARON, SIMPLE. Identifiers: Orphanet 91396, MedGen C1852453, MONDO:0007410, OMIM 123570.
Fraser syndrome 2 (FRASRS2). Identifiers: MedGen C4540036, MONDO:0054738, OMIM 617666.

gnomAD v4.1: 3 of 1,614,004 alleles (0.00019%); highest among the groups gnomAD compares: African/African-American, 0.004%; no homozygotes.

Submissions (2):

Labcorp Genetics (formerly Invitae), Labcorp
Classification: Uncertain significance. Last evaluated: 2023-08-17. Review status: criteria provided, single submitter. Criteria: Invitae Variant Classification Sherloc (09022015). Collection method: clinical testing. Allele origin: germline.
Comment: This variant has not been reported in the literature in individuals affected with FREM2-related conditions. This variant is not present in population databases (gnomAD no frequency). This sequence change replaces asparagine, which is neutral and polar, with histidine, which is basic and polar, at codon 1323 of the FREM2 protein (p.Asn1323His). ClinVar contains an entry for this variant (Variation ID: 1469616). In summary, the available evidence is currently insufficient to determine the role of this variant in disease. Therefore, it has been classified as a Variant of Uncertain Significance. Advanced modeling of protein sequence and biophysical properties (such as structural, functional, and spatial information, amino acid conservation, physicochemical variation, residue mobility, and thermodynamic stability) performed at Invitae indicates that this missense variant is not expected to disrupt FREM2 protein function.

Fulgent Genetics
Classification: Uncertain significance for Isolated cryptophthalmia; Fraser syndrome 2. Last evaluated: 2022-01-19. Review status: criteria provided, single submitter. Criteria: ACMG Guidelines, 2015. Collection method: clinical testing. Allele origin: unknown.

NM_207361.6(FREM2):c.3967A>C (p.Asn1323His)

Gene: FREM2 (FRAS1 related extracellular matrix 2; plus strand). Cytogenetic location: 13q13.3.
Variant type: single nucleotide variant.
Coding change: c.3967A>C on transcript NM_207361.6 (MANE Select); coding-DNA position 3967, A replaced by C.
Protein change: p.Asn1323His; replaces asparagine 1323 with histidine.
Molecular consequence: missense variant.
Genome position (GRCh38, 1-based): chr13:38,691,311, A>C. VCF-style: chr13-38691311-A-C. GRCh37 (hg19) VCF-style: chr13-39265448-A-C.
Other names: short protein forms N1323H.
Identifiers: ClinVar variation 1469616 (VCV001469616.8), dbSNP rs371827710, ClinGen allele CA387892120.